The following is an entry in ClinVar:

ClinVar aggregate classification (germline): Uncertain significance (1 of 4 stars; one submission).

Allele frequency attached by ClinVar (database versions not stated): gnomAD 0.00002; TOPMed 0.00003.
gnomAD v4.1: 4 of 1,208,290 alleles (0.00033%); highest among the groups gnomAD compares: Admixed American, 0.0022%; no homozygotes.

Submission:

GeneDx
Classification: Uncertain significance. Last evaluated: 2019-09-20. Review status: criteria provided, single submitter. Criteria: GeneDx Variant Classification Process June 2021. Collection method: clinical testing. Allele origin: germline. Affected: yes.
Comment: Has not been previously published as pathogenic or benign to our knowledge; Not observed in large population cohorts (Lek et al., 2016); In silico analysis, which includes protein predictors and evolutionary conservation, supports a deleterious effect

NM_014008.5(CCDC22):c.1270C>T (p.His424Tyr)

Gene: CCDC22 (coiled-coil domain containing 22; plus strand). Cytogenetic location: Xp11.23.
Variant type: single nucleotide variant.
Coding change: c.1270C>T on transcript NM_014008.5 (MANE Select); coding-DNA position 1270, C replaced by T.
Protein change: p.His424Tyr; replaces histidine 424 with tyrosine.
Molecular consequence: missense variant.
Genome position (GRCh38, 1-based): chrX:49,248,464, C>T. VCF-style: chrX-49248464-C-T. GRCh37 (hg19) VCF-style: chrX-49104925-C-T.
Other names: short protein forms H424Y.
Identifiers: ClinVar variation 1304641 (VCV001304641.2), dbSNP rs1475067406, ClinGen allele CA412940077.